The following is an entry in ClinVar:

ClinVar aggregate classification (germline): Conflicting classifications of pathogenicity. Review status: criteria provided, conflicting classifications (1 of 4 stars). 3 submissions from 3 submitters: Uncertain significance (2); Likely benign (1). Last evaluated 2025-08-14.

Conditions:
Infantile-onset X-linked spinal muscular atrophy. Also called: Spinal Muscular Atrophy, X-Linked Infantile; SPINAL MUSCULAR ATROPHY, X-LINKED LETHAL INFANTILE; AMC, DISTAL, X-LINKED; ARTHROGRYPOSIS, X-LINKED, TYPE I; Spinal muscular atrophy, X-linked 2. Identifiers: Orphanet 1145, MedGen C1844934, MONDO:0010532, OMIM 301830.
Inborn genetic diseases. Identifiers: MedGen C0950123, MeSH D030342.

Allele frequency attached by ClinVar (database versions not stated): gnomAD exomes 0.00001 and 0.00003; ExAC 0.00004.
gnomAD v4.1: 6 of 1,211,031 alleles (0.0005%); highest among the groups gnomAD compares: Admixed American, 0.013%; no homozygotes.

Submissions (3):

Mayo Clinic Laboratories, Mayo Clinic
Classification: Uncertain significance. Last evaluated: 2025-08-14. Review status: criteria provided, single submitter. Criteria: ACMG Guidelines, 2015. Collection method: clinical testing. Allele origin: germline. Observed: 1 variant allele.

Ambry Genetics
Classification: Likely benign for Inborn genetic diseases. Last evaluated: 2025-03-26. Review status: criteria provided, single submitter. Criteria: Ambry Variant Classification Scheme 2023. Collection method: clinical testing. Allele origin: germline.

Labcorp Genetics (formerly Invitae), Labcorp
Classification: Uncertain significance for Infantile-onset X-linked spinal muscular atrophy. Last evaluated: 2024-11-18. Review status: criteria provided, single submitter. Criteria: Invitae Variant Classification Sherloc (09022015). Collection method: clinical testing. Allele origin: germline.
Comment: This sequence change replaces arginine, which is basic and polar, with glutamine, which is neutral and polar, at codon 384 of the UBA1 protein (p.Arg384Gln). The frequency data for this variant in the population databases is considered unreliable, as metrics indicate poor data quality at this position in the gnomAD database. This variant has not been reported in the literature in individuals affected with UBA1-related conditions. ClinVar contains an entry for this variant (Variation ID: 647851). An algorithm developed to predict the effect of missense changes on protein structure and function (PolyPhen-2) suggests that this variant is likely to be tolerated. In summary, the available evidence is currently insufficient to determine the role of this variant in disease. Therefore, it has been classified as a Variant of Uncertain Significance.

NM_003334.4(UBA1):c.1151G>A (p.Arg384Gln)

Gene: UBA1 (ubiquitin like modifier activating enzyme 1; plus strand). Cytogenetic location: Xp11.3.
Variant type: single nucleotide variant.
Coding change: c.1151G>A on transcript NM_003334.4 (MANE Select); coding-DNA position 1151, G replaced by A.
Protein change: p.Arg384Gln; replaces arginine 384 with glutamine.
Molecular consequence: missense variant.
Genome position (GRCh38, 1-based): chrX:47,202,732, G>A. VCF-style: chrX-47202732-G-A. GRCh37 (hg19) VCF-style: chrX-47062131-G-A.
Other names: p.Arg384Gln; c.1151G>A, p.Arg384Gln (NM_153280.3); short protein forms R384Q.
Identifiers: ClinVar variation 647851 (VCV000647851.10), dbSNP rs781909775, ClinGen allele CA10395853.